The following is an entry in ClinVar:

ClinVar aggregate classification (germline): Uncertain significance. Review status: criteria provided, multiple submitters, no conflicts (2 of 4 stars). 2 submissions from 2 submitters: Uncertain significance (2). Last evaluated 2023-12-11.

Conditions:
Combined oxidative phosphorylation defect type 27. Also called: Combined oxidative phosphorylation deficiency 27. Identifiers: Orphanet 477774, MedGen C5567608, MONDO:0014728, OMIM 616672.

Allele frequency attached by ClinVar (database versions not stated): TOPMed 0.00001.

Submissions (2):

Labcorp Genetics (formerly Invitae), Labcorp
Classification: Uncertain significance for Combined oxidative phosphorylation defect type 27. Last evaluated: 2023-12-11. Review status: criteria provided, single submitter. Criteria: Invitae Variant Classification Sherloc (09022015). Collection method: clinical testing. Allele origin: germline.
Comment: This sequence change affects the initiator methionine of the CARS2 mRNA. The next in-frame methionine is located at codon 114. This variant is not present in population databases (gnomAD no frequency). This variant has not been reported in the literature in individuals affected with CARS2-related conditions. ClinVar contains an entry for this variant (Variation ID: 941196). In summary, the available evidence is currently insufficient to determine the role of this variant in disease. Therefore, it has been classified as a Variant of Uncertain Significance.

Women's Health and Genetics/Laboratory Corporation of America, LabCorp
Classification: Uncertain significance. Last evaluated: 2023-10-10. Review status: criteria provided, single submitter. Criteria: LabCorp Variant Classification Summary - May 2015. Collection method: clinical testing. Allele origin: germline.
Comment: Variant summary: CARS2 c.1A>G (p.Met1Val) alters the initiation codon and is predicted to result either in absence of the protein or truncation of the encoded protein due to translation initiation at a downstream codon. Two of three in-silico tools predict a benign effect of the variant on protein function. The variant was absent in 15398 control chromosomes (gnomAD). The available data on variant occurrences in the general population are insufficient to allow any conclusion about variant significance. To our knowledge, no occurrence of c.1A>G in individuals affected with Combined Oxidative Phosphorylation Defect Type 27 and no experimental evidence demonstrating its impact on protein function have been reported. One submitter has cited clinical-significance assessments for this variant to ClinVar after 2014 and has classified the variant as uncertain significance. Based on the evidence outlined above, the variant was classified as uncertain significance.

NM_024537.4(CARS2):c.1A>G (p.Met1Val)

Genes: CARS2 (cysteinyl-tRNA synthetase 2, mitochondrial; minus strand), LOC130010127 (ATAC-STARR-seq lymphoblastoid silent region 5509; plus strand). Cytogenetic location: 13q34.
Variant type: single nucleotide variant.
Coding change: c.1A>G on transcript NM_024537.4 (MANE Select); coding-DNA position 1, A replaced by G.
Protein change: p.Met1Val; changes the start codon (methionine 1).
Molecular consequence: missense variant, initiator codon variant. On other transcripts: non-coding transcript variant (1), intron variant (1).
Genome position (GRCh38, 1-based): chr13:110,706,093, T>C on the plus strand (A>G on the coding strand, the complement: CARS2 is on the minus strand). VCF-style: chr13-110706093-T-C. GRCh37 (hg19) VCF-style: chr13-111358440-T-C.
Other names: c.1A>G, p.Met1Val (NM_001352253.3); c.-776+278A>G (NM_001352252.2); short protein forms M1V.
Identifiers: ClinVar variation 941196 (VCV000941196.10), dbSNP rs1456556476, ClinGen allele CA388743602.
Genomic context (GRCh38, chr13:110,706,093, plus strand): 5'-GGCCCAGCGCGGCCTGGAGCAGCGGGGGGCCCAGGCCTGGGCCGCGCGTAGTCCTCAACA[T>C]GTCAGCGGCCAGCGCCTACGACTGGGCGGAGACGGGAGCCACGCCGGGTACGCTGCCGGT-3'
Protein context (NP_078813.1, residues 1-11): [Met1Val]LRTTRGPGLG